The following is an entry in ClinVar:

ClinVar aggregate classification (germline): Conflicting classifications of pathogenicity. Review status: criteria provided, conflicting classifications (1 of 4 stars). 5 submissions from 5 submitters: Uncertain significance (1); Likely benign (3). 1 of the submissions does not count toward it. Last evaluated 2025-10-06.

Conditions:
Fanconi anemia (FA). Also called: Fanconi's anemia. Identifiers: Orphanet 84, MedGen C0015625, MeSH D005199, MONDO:0019391.
FANCA-related disorder. Also called: FANCA-related condition.
Inborn genetic diseases. Identifiers: MedGen C0950123, MeSH D030342.

Allele frequency attached by ClinVar (database versions not stated): ExAC 0.00002; gnomAD exomes 0.00004; gnomAD 0.00010; TOPMed 0.00012.
gnomAD v4.1: 259 of 1,614,014 alleles (0.016%); highest among the groups gnomAD compares: Non-Finnish European, 0.02%; no homozygotes.

Submissions (5):

Labcorp Genetics (formerly Invitae), Labcorp
Classification: Likely benign for Fanconi anemia. Last evaluated: 2025-10-06. Review status: criteria provided, single submitter. Criteria: Invitae Variant Classification Sherloc (09022015). Collection method: clinical testing. Allele origin: germline.

PreventionGenetics, part of Exact Sciences
Classification: Likely benign for FANCA-related condition. Last evaluated: 2025-06-18. Review status: criteria provided, single submitter. Criteria: ACMG Guidelines, 2015. Collection method: clinical testing. Allele origin: germline.
Comment: This variant is classified as likely benign based on ACMG/AMP sequence variant interpretation guidelines (Richards et al. 2015 PMID: 25741868, with internal and published modifications).

Quest Diagnostics Nichols Institute San Juan Capistrano
Classification: Uncertain significance. Last evaluated: 2025-04-11. Review status: criteria provided, single submitter. Criteria: Quest Diagnostics criteria. Collection method: clinical testing. Allele origin: unknown.
Comment: The FANCA c.3711C>G (p.Val1237=) synonymous variant has been reported in the published literature in a reportedly unaffected individual (PMID: 23021409 (2013)). The frequency of this variant in the general population (Genome Aggregation Database) is uninformative in the assessment of its pathogenicity. Analysis of this variant using software algorithms for the prediction of the effect of nucleotide changes on FANCA mRNA splicing yielded predictions that this variant may result in the gain of a cryptic splice site without affecting the natural splice sites. Based on the available information, we are unable to determine the clinical significance of this variant.

Ambry Genetics
Classification: Likely benign for Inborn genetic diseases. Last evaluated: 2024-12-06. Review status: criteria provided, single submitter. Criteria: Ambry Variant Classification Scheme 2023. Collection method: clinical testing. Allele origin: germline.

Natera, Inc.
Classification: Likely benign for Fanconi anemia. Last evaluated: 2020-02-15. Review status: no assertion criteria provided. Collection method: clinical testing. Allele origin: germline. Not counted in ClinVar's aggregate classification.

Literature cited by the submitters: PubMed 23021409 (cited by Quest Diagnostics Nichols Institute San Juan Capistrano).

NM_000135.4(FANCA):c.3711C>G (p.Val1237=)

Gene: FANCA (FA complementation group A; minus strand). Cytogenetic location: 16q24.3.
Variant type: single nucleotide variant.
Coding change: c.3711C>G on transcript NM_000135.4 (MANE Select); coding-DNA position 3711, C replaced by G.
Protein change: p.Val1237=; no amino-acid change (valine 1237 retained).
Molecular consequence: synonymous variant.
Genome position (GRCh38, 1-based): chr16:89,742,854, G>C on the plus strand (C>G on the coding strand, the complement: FANCA is on the minus strand). VCF-style: chr16-89742854-G-C. GRCh37 (hg19) VCF-style: chr16-89809262-G-C.
Other names: c.3711C>G (NM_000135.3); c.3711C>G, p.Val1237= (NM_001286167.3).
Identifiers: ClinVar variation 698111 (VCV000698111.16), dbSNP rs776879032, ClinGen allele CA8251013.